The following is an entry in ClinVar:

ClinVar aggregate classification (germline): Uncertain significance (1 of 4 stars; one submission).

Allele frequency attached by ClinVar (database versions not stated): gnomAD exomes below 0.00001; ExAC 0.00001.
gnomAD v4.1: 3 of 1,614,166 alleles (0.00019%); highest among the groups gnomAD compares: African/African-American, 0.0027%; no homozygotes.

Submission:

Ambry Genetics
Classification: Uncertain significance. Last evaluated: 2021-12-14. Review status: criteria provided, single submitter. Criteria: Ambry Variant Classification Scheme 2023. Collection method: clinical testing. Allele origin: germline.
Comment: The p.V152I variant (also known as c.454G>A), located in coding exon 6 of the RAD54L gene, results from a G to A substitution at nucleotide position 454. The valine at codon 152 is replaced by isoleucine, an amino acid with highly similar properties. This amino acid position is conserved. In addition, the in silico prediction for this alteration is inconclusive. Since supporting evidence is limited at this time, the clinical significance of this alteration remains unclear.

NM_003579.4(RAD54L):c.454G>A (p.Val152Ile)

Gene: RAD54L (RAD54 like; plus strand). Cytogenetic location: 1p34.1.
Variant type: single nucleotide variant.
Coding change: c.454G>A on transcript NM_003579.4 (MANE Select); coding-DNA position 454, G replaced by A.
Protein change: p.Val152Ile; replaces valine 152 with isoleucine.
Molecular consequence: missense variant. On other transcripts: 5 prime UTR variant (1).
Genome position (GRCh38, 1-based): chr1:46,260,588, G>A. VCF-style: chr1-46260588-G-A. GRCh37 (hg19) VCF-style: chr1-46726260-G-A.
Other names: c.454G>A, p.Val152Ile (NM_001142548.2); c.-87G>A (NM_001370766.1); short protein forms V152I.
Identifiers: ClinVar variation 1741425 (VCV001741425.2), dbSNP rs757184891, ClinGen allele CA834259.